The following is an entry in ClinVar:

NM_000179.3(MSH6):c.2602dup (p.Met868fs)

Gene: MSH6 (mutS homolog 6; plus strand). Cytogenetic location: 2p16.3.
Variant type: Duplication.
Coding change: c.2602dup on transcript NM_000179.3 (MANE Select); coding-DNA position 2602, one base duplicated (A; older notation c.2602dupA).
Protein change: p.Met868fs; shifts the reading frame from methionine 868.
Molecular consequence: frameshift variant.
Genome position (GRCh38, 1-based): chr2:47,800,585, A duplicated; the last of 2 consecutive A bases (chr2:47,800,584-47,800,585); duplicating either gives the same sequence. VCF-style (leftmost placement, unchanged base first): chr2-47800583-T-TA. GRCh37 (hg19) VCF-style: chr2-48027722-T-TA.
Other names: c.2602dupA (NM_000179.2); c.2212dup, p.Met738fs (NM_001281492.2); c.1696dup, p.Met566fs (NM_001281493.2, NM_001281494.2); short protein forms M566fs, M738fs, M868fs.
Identifiers: ClinVar variation 641516 (VCV000641516.12), dbSNP rs1572727797, ClinGen allele CA915943933.

ClinVar aggregate classification (germline): Pathogenic. Review status: criteria provided, multiple submitters, no conflicts (2 of 4 stars). 3 submissions from 3 submitters: Pathogenic (3). Last evaluated 2024-05-06.

Conditions:
Lynch syndrome 5 (LYNCH5). Also called: Hereditary non-polyposis colorectal cancer, type 5; Colorectal cancer, hereditary nonpolyposis, type 5. Identifiers: Orphanet 144, MedGen C1833477, MONDO:0013710, OMIM 614350. Disease mechanism: loss of function.
Hereditary nonpolyposis colorectal neoplasms. Identifiers: MedGen C0009405, MeSH D003123.
Hereditary cancer-predisposing syndrome. Also called: Neoplastic Syndromes, Hereditary; Tumor predisposition; Hereditary neoplastic syndrome; Hereditary Cancer Syndrome. Identifiers: Orphanet 140162, MedGen C0027672, MeSH D009386, MONDO:0015356.

Submissions (3):

Myriad Genetics, Inc.
Classification: Pathogenic for Lynch syndrome 5. Last evaluated: 2024-05-06. Review status: criteria provided, single submitter. Criteria: Myriad Autosomal Dominant, Autosomal Recessive and X-Linked Classification Criteria (2023). Collection method: clinical testing. Allele origin: unknown.
Comment: This variant is considered pathogenic. This variant creates a frameshift predicted to result in premature protein truncation.

Ambry Genetics
Classification: Pathogenic for Hereditary cancer-predisposing syndrome. Last evaluated: 2023-02-21. Review status: criteria provided, single submitter. Criteria: Ambry Variant Classification Scheme 2023. Collection method: clinical testing. Allele origin: germline.
Comment: The c.2602dupA pathogenic mutation, located in coding exon 4 of the MSH6 gene, results from a duplication of A at nucleotide position 2602, causing a translational frameshift with a predicted alternate stop codon (p.M868Nfs*3). This variant is considered to be rare based on population cohorts in the Genome Aggregation Database (gnomAD). This alteration is expected to result in loss of function by premature protein truncation or nonsense-mediated mRNA decay. As such, this alteration is interpreted as a disease-causing mutation.

Labcorp Genetics (formerly Invitae), Labcorp
Classification: Pathogenic for Hereditary nonpolyposis colorectal neoplasms. Last evaluated: 2019-06-28. Review status: criteria provided, single submitter. Criteria: Invitae Variant Classification Sherloc (09022015). Collection method: clinical testing. Allele origin: germline.
Comment: For these reasons, this variant has been classified as Pathogenic. This sequence change creates a premature translational stop signal (p.Met868Asnfs*3) in the MSH6 gene. It is expected to result in an absent or disrupted protein product. This variant is not present in population databases (ExAC no frequency). This variant has not been reported in the literature in individuals with MSH6-related disease. Loss-of-function variants in MSH6 are known to be pathogenic (PMID: 18269114, 24362816).

Literature cited by the submitters: PubMed 18269114 (cited by Labcorp Genetics (formerly Invitae), Labcorp); PubMed 24362816 (cited by Labcorp Genetics (formerly Invitae), Labcorp).